The following is an entry in ClinVar:

ClinVar aggregate classification (germline): Likely pathogenic (1 of 4 stars; one submission).

Conditions:
Usher syndrome type 1D (USH1D). Also called: USHER SYNDROME, TYPE ID. Identifiers: Orphanet 231169, Orphanet 886, MedGen C1832845, MONDO:0010984, OMIM 601067.

Submission:

Myriad Genetics, Inc.
Classification: Likely pathogenic for Usher syndrome type 1D. Last evaluated: 2022-03-21. Review status: criteria provided, single submitter. Criteria: Myriad Women's Health Autosomal Recessive and X-Linked Classification Criteria (2021). Collection method: clinical testing. Allele origin: unknown.
Comment: NM_033056.3(PCDH15):c.1495_1496insA(V499Dfs*6) is expected to be pathogenic in the context of PCDH15-related disorders. This variant is predicted to lead to an abnormal or absent protein product due to the creation of a premature termination codon in PCDH15, a gene where loss-of-function variants are known to be pathogenic. Please note: this variant was assessed in the context of healthy population screening.

NM_001384140.1(PCDH15):c.1495_1496insA (p.Val499fs)

Gene: PCDH15 (protocadherin related 15; minus strand). Cytogenetic location: 10q21.1.
Variant type: Insertion.
Coding change: c.1495_1496insA on transcript NM_001384140.1 (MANE Select); coding-DNA positions 1495 to 1496, A inserted.
Protein change: p.Val499fs; shifts the reading frame from valine 499.
Molecular consequence: frameshift variant.
Genome position: GRCh38 VCF-style: chr10-54183538-A-AT. GRCh37 (hg19) VCF-style: chr10-55943298-A-AT.
Other names: c.1510_1511insA, p.Val504fs (NM_001142763.2, NM_001142771.2); c.1495_1496insA, p.Val499fs (NM_001142764.2, NM_001142765.2, NM_001142766.2 and 6 more transcripts); c.1384_1385insA, p.Val462fs (NM_001142767.2); c.1429_1430insA, p.Val477fs (NM_001142768.2, NM_001142773.2, NM_001354404.2); c.1531_1532insA, p.Val511Aspfs (NM_001142769.4); c.1516_1517insA, p.Val506fs (NM_001354411.2); short protein forms V462fs, V477fs, V499fs, V504fs, V506fs, V511fs.
Identifiers: ClinVar variation 1725430 (VCV001725430.2), dbSNP rs2539476594, ClinGen allele CA2580081640.